The following is an entry in ClinVar:

ClinVar aggregate classification (germline): Uncertain significance (1 of 4 stars; one submission).

gnomAD v4.1: 1 of 1,571,770 alleles (0.000064%); highest among the groups gnomAD compares: Non-Finnish European, 0.000086%; no homozygotes.

Submission:

Labcorp Genetics (formerly Invitae), Labcorp
Classification: Uncertain significance. Last evaluated: 2025-08-31. Review status: criteria provided, single submitter. Criteria: Invitae Variant Classification Sherloc (09022015). Collection method: clinical testing. Allele origin: germline.
Comment: This sequence change falls in intron 10 of the DHX32 gene. It does not directly change the encoded amino acid sequence of the DHX32 protein. It affects a nucleotide within the consensus splice site. This variant is not present in population databases (gnomAD no frequency). This variant has not been reported in the literature in individuals affected with DHX32-related conditions. Variants that disrupt the consensus splice site are a relatively common cause of aberrant splicing (PMID: 17576681, 9536098). Algorithms developed to predict the effect of sequence changes on RNA splicing suggest that this variant may disrupt the consensus splice site. In summary, the available evidence is currently insufficient to determine the role of this variant in disease. Therefore, it has been classified as a Variant of Uncertain Significance.

Literature cited by the submitters: PubMed 17576681; PubMed 9536098.

NM_018180.3(DHX32):c.2063+1G>C

Genes: BCCIP (BRCA2 and CDKN1A interacting protein; plus strand), DHX32 (DEAH-box helicase 32 (putative); minus strand). Cytogenetic location: 10q26.2.
Variant type: single nucleotide variant.
Coding change: c.2063+1G>C on transcript NM_018180.3 (MANE Select); the canonical splice donor site of the intron after coding-DNA position 2063, G replaced by C.
Molecular consequence: splice donor variant. On other transcripts: intron variant (2).
Genome position (GRCh38, 1-based): chr10:125,838,205, C>G on the plus strand (G>C on the coding strand, the complement: DHX32 is on the minus strand). VCF-style: chr10-125838205-C-G. GRCh37 (hg19) VCF-style: chr10-127526774-C-G.
Other names: c.775-3050C>G (NM_016567.4, NM_078469.3).
Identifiers: ClinVar variation 4765829 (VCV004765829.1).